The following is an entry in ClinVar:

ClinVar aggregate classification (germline): Pathogenic/Likely pathogenic. Review status: criteria provided, multiple submitters, no conflicts (2 of 4 stars). 2 submissions from 2 submitters: Pathogenic (1); Likely pathogenic (1). Last evaluated 2025-12-14.

Conditions:
Nemaline myopathy 2 (NEM2). Also called: Nemaline myopathy 2, autosomal recessive. Identifiers: MedGen C1850569, MONDO:0009725, OMIM 256030.
Arthrogryposis multiplex congenita 6. Identifiers: MedGen C5543431, MONDO:0030281, OMIM 619334.

Allele frequency attached by ClinVar (database versions not stated): TOPMed below 0.00001.

Submissions (2):

Labcorp Genetics (formerly Invitae), Labcorp
Classification: Pathogenic for Nemaline myopathy 2. Last evaluated: 2025-12-14. Review status: criteria provided, single submitter. Criteria: Invitae Variant Classification Sherloc (09022015). Collection method: clinical testing. Allele origin: germline.
Comment: This sequence change creates a premature translational stop signal (p.Tyr6545*) in the NEB gene. It is expected to result in an absent or disrupted protein product. Loss-of-function variants in NEB are known to be pathogenic (PMID: 25205138). This variant is not present in population databases (gnomAD no frequency). This variant has not been reported in the literature in individuals affected with NEB-related conditions. ClinVar contains an entry for this variant (Variation ID: 1386453). For these reasons, this variant has been classified as Pathogenic.

Baylor Genetics
Classification: Likely pathogenic for Arthrogryposis multiplex congenita 6. Last evaluated: 2023-08-30. Review status: criteria provided, single submitter. Criteria: ACMG Guidelines, 2015. Collection method: clinical testing. Allele origin: unknown.

Literature cited by the submitters: PubMed 25205138 (cited by Labcorp Genetics (formerly Invitae), Labcorp).

NM_001164508.2(NEB):c.19635C>A (p.Tyr6545Ter)

Genes: NEB (nebulin; minus strand), LOC126806373 (BRD4-independent group 4 enhancer GRCh37_chr2:152410007-152411206; plus strand). Cytogenetic location: 2q23.3.
Variant type: single nucleotide variant.
Coding change: c.19635C>A on transcript NM_001164508.2 (MANE Select); coding-DNA position 19635, C replaced by A.
Protein change: p.Tyr6545Ter; replaces tyrosine 6545 with a stop codon.
Molecular consequence: nonsense.
Genome position (GRCh38, 1-based): chr2:151,553,494, G>T on the plus strand (C>A on the coding strand, the complement: NEB is on the minus strand). VCF-style: chr2-151553494-G-T. GRCh37 (hg19) VCF-style: chr2-152410008-G-T.
Other names: c.19635C>A (NM_001271208.1); c.19635C>A, p.Tyr6545Ter (NM_001164507.2, NM_001271208.2); c.14532C>A, p.Tyr4844Ter (NM_004543.5); short protein forms Y4844*, Y6545*.
Identifiers: ClinVar variation 1386453 (VCV001386453.7), dbSNP rs1335300113, ClinGen allele CA348790285.